The following is an entry in ClinVar:

ClinVar aggregate classification (germline): Uncertain significance. Review status: criteria provided, multiple submitters, no conflicts (2 of 4 stars). 2 submissions from 2 submitters: Uncertain significance (2). Last evaluated 2026-08-12.

Conditions:
Inborn genetic diseases. Identifiers: MedGen C0950123, MeSH D030342.

Allele frequency attached by ClinVar (database versions not stated): TOPMed 0.00003; ExAC 0.00001; gnomAD 0.00001.
gnomAD v4.1: 28 of 1,613,976 alleles (0.0017%); highest among the groups gnomAD compares: African/African-American, 0.0067%; no homozygotes.

Submissions (2):

Ambry Genetics
Classification: Uncertain significance for Inborn genetic diseases. Last evaluated: 2026-08-12. Review status: criteria provided, single submitter. Criteria: Ambry Variant Classification Scheme 2023. Collection method: clinical testing. Allele origin: germline.

Labcorp Genetics (formerly Invitae), Labcorp
Classification: Uncertain significance. Last evaluated: 2023-01-10. Review status: criteria provided, single submitter. Criteria: Invitae Variant Classification Sherloc (09022015). Collection method: clinical testing. Allele origin: germline.
Comment: In summary, the available evidence is currently insufficient to determine the role of this variant in disease. Therefore, it has been classified as a Variant of Uncertain Significance. Advanced modeling of protein sequence and biophysical properties (such as structural, functional, and spatial information, amino acid conservation, physicochemical variation, residue mobility, and thermodynamic stability) performed at Invitae indicates that this missense variant is expected to disrupt DNAH9 protein function. This variant has not been reported in the literature in individuals affected with DNAH9-related conditions. This variant is present in population databases (rs763130440, gnomAD 0.004%). This sequence change replaces arginine, which is basic and polar, with tryptophan, which is neutral and slightly polar, at codon 1421 of the DNAH9 protein (p.Arg1421Trp).

NM_001372.4(DNAH9):c.4261C>T (p.Arg1421Trp)

Gene: DNAH9 (dynein axonemal heavy chain 9; plus strand). Cytogenetic location: 17p12.
Variant type: single nucleotide variant.
Coding change: c.4261C>T on transcript NM_001372.4 (MANE Select); coding-DNA position 4261, C replaced by T.
Protein change: p.Arg1421Trp; replaces arginine 1421 with tryptophan.
Molecular consequence: missense variant.
Genome position (GRCh38, 1-based): chr17:11,690,083, C>T. VCF-style: chr17-11690083-C-T. GRCh37 (hg19) VCF-style: chr17-11593400-C-T.
Other names: c.4261C>T (NM_001372.3); short protein forms R1421W.
Identifiers: ClinVar variation 1943800 (VCV001943800.4), dbSNP rs763130440, ClinGen allele CA8395634.